The following is an entry in ClinVar:

NM_000245.4(MET):c.975T>C (p.Pro325=)

Gene: MET (MET proto-oncogene, receptor tyrosine kinase; plus strand). Cytogenetic location: 7q31.2.
Variant type: single nucleotide variant.
Coding change: c.975T>C on transcript NM_000245.4 (MANE Select); coding-DNA position 975, T replaced by C.
Protein change: p.Pro325=; no amino-acid change (proline 325 retained).
Molecular consequence: synonymous variant. On other transcripts: intron variant (1).
Genome position (GRCh38, 1-based): chr7:116,700,059, T>C. VCF-style: chr7-116700059-T-C. GRCh37 (hg19) VCF-style: chr7-116340113-T-C.
Other names: c.975T>C, p.Pro325= (NM_001127500.3, NM_001324401.3); c.-91+27482T>C (NM_001324402.2).
Identifiers: ClinVar variation 3773375 (VCV003773375.2).

ClinVar aggregate classification (germline): Benign/Likely benign. Review status: criteria provided, multiple submitters, no conflicts (2 of 4 stars). 2 submissions from 2 submitters: Benign (1); Likely benign (1). Last evaluated 2025-10-15.

Conditions:
Hereditary cancer-predisposing syndrome. Also called: Neoplastic Syndromes, Hereditary; Tumor predisposition; Hereditary Cancer Syndrome; Hereditary neoplastic syndrome. Identifiers: Orphanet 140162, MedGen C0027672, MeSH D009386, MONDO:0015356.
Papillary renal cell carcinoma type 1 (RCCP1). Also called: Renal adenocarcinoma; Renal cell carcinoma 1; Renal cell carcinoma, somatic; RENAL CELL CARCINOMA, PAPILLARY, 1, SOMATIC. Identifiers: Orphanet 47044, MedGen C1336839, OMIM 605074, HP:0011797.

Submissions (2):

Ambry Genetics
Classification: Likely benign for Hereditary cancer-predisposing syndrome. Last evaluated: 2025-10-15. Review status: criteria provided, single submitter. Criteria: Ambry Variant Classification Scheme 2023. Collection method: clinical testing. Allele origin: germline.

Myriad Genetics, Inc.
Classification: Benign for Papillary renal cell carcinoma type 1. Last evaluated: 2024-11-06. Review status: criteria provided, single submitter. Criteria: Myriad Autosomal Dominant, Autosomal Recessive and X-Linked Classification Criteria (2023). Collection method: clinical testing. Allele origin: unknown.
Comment: This variant is considered benign. This variant is a silent/synonymous amino acid change and it is not expected to impact splicing.